The following is an entry in ClinVar:

ClinVar aggregate classification (germline): Uncertain significance (1 of 4 stars; one submission).

Conditions:
COL11A1-related disorder. Also called: COL11A1-related condition; COL11A1-related disorders.

gnomAD v4.1: 1 of 1,614,044 alleles (0.000062%); highest among the groups gnomAD compares: Non-Finnish European, 0.000085%; no homozygotes.

Submission:

PreventionGenetics, part of Exact Sciences
Classification: Uncertain significance for COL11A1-related condition. Last evaluated: 2026-06-15. Review status: criteria provided, single submitter. Criteria: ACMG Guidelines, 2015. Collection method: clinical testing. Allele origin: germline.
Comment: The COL11A1 c.3470C>A variant is predicted to result in the amino acid substitution p.Pro1157Gln. To our knowledge, this variant has not been reported in the literature or in a large population database (gnomAD), indicating this variant is rare. At this time, the clinical significance of this variant is uncertain due to the absence of conclusive functional and genetic evidence.

NM_001854.4(COL11A1):c.3470C>A (p.Pro1157Gln)

Gene: COL11A1 (collagen type XI alpha 1 chain; minus strand). Cytogenetic location: 1p21.1.
Variant type: single nucleotide variant.
Coding change: c.3470C>A on transcript NM_001854.4 (MANE Select); coding-DNA position 3470, C replaced by A.
Protein change: p.Pro1157Gln; replaces proline 1157 with glutamine.
Molecular consequence: missense variant. On other transcripts: non-coding transcript variant (1).
Genome position (GRCh38, 1-based): chr1:102,935,082, G>T on the plus strand (C>A on the coding strand, the complement: COL11A1 is on the minus strand). VCF-style: chr1-102935082-G-T. GRCh37 (hg19) VCF-style: chr1-103400638-G-T.
Other names: c.3353C>A, p.Pro1118Gln (NM_001190709.2); c.3506C>A, p.Pro1169Gln (NM_080629.3); c.3122C>A, p.Pro1041Gln (NM_080630.4); short protein forms P1157Q, P1118Q, P1169Q, P1041Q.
Identifiers: ClinVar variation 4994041 (VCV004994041.1).